The following is an entry in ClinVar:

ClinVar aggregate classification (germline): Benign (0 of 4 stars; one submission).

Conditions:
PPRC1-related disorder. Also called: PPRC1-related condition.

Allele frequency attached by ClinVar (database versions not stated): ESP Exome Variant Server 0.00040; gnomAD exomes 0.00136; gnomAD 0.00192; 1000 Genomes Project 30x 0.00297; 1000 Genomes Project 0.00319; ExAC 0.00410.

Submission:

PreventionGenetics, part of Exact Sciences
Classification: Benign for PPRC1-related condition. Last evaluated: 2019-02-20. Review status: no assertion criteria provided. Collection method: clinical testing. Allele origin: germline.
Comment: This variant is classified as benign based on ACMG/AMP sequence variant interpretation guidelines (Richards et al. 2015 PMID: 25741868, with internal and published modifications).

NM_015062.5(PPRC1):c.2279_2290dup (p.Arg763_Gln764insArgGlnGlnArg)

Gene: PPRC1 (PPARG related coactivator 1; plus strand). Cytogenetic location: 10q24.32.
Variant type: Duplication.
Coding change: c.2279_2290dup on transcript NM_015062.5 (MANE Select); coding-DNA positions 2279 to 2290, 12 bases duplicated (GGCAGCAACGCC).
Protein change: p.Arg763_Gln764insArgGlnGlnArg.
Genome position (GRCh38, 1-based): chr10:102,140,787-102,140,798, GGCAGCAACGCC duplicated. VCF-style (leftmost placement, unchanged base first): chr10-102140786-A-AGGCAGCAACGCC. GRCh37 (hg19) VCF-style: chr10-103900543-A-AGGCAGCAACGCC.
Other names: c.2279_2290dup, p.Arg763_Gln764insArgGlnGlnArg (NM_001288727.2); c.1919_1930dup, p.Arg643_Gln644insArgGlnGlnArg (NM_001288728.2).
Identifiers: ClinVar variation 3060162 (VCV003060162.2), dbSNP rs542043253, ClinGen allele CA5660995.
Genomic context (GRCh38, chr10:102,140,786, plus strand): 5'-AGTGCTACAACCCATGAAGCCAGACCTCGGCCTCTCAGCTTATCTGAGTACCGGCGACGA[A>AGGCAGCAACGCC]GGCAGCAACGCCAAGCAGAAACAGAAGAGAGAAGTCCACAGCCCCCAACTGGGAAGTGGC-3'